The following is an entry in ClinVar:

NM_000069.3(CACNA1S):c.1394-4A>G

Gene: CACNA1S (calcium voltage-gated channel subunit alpha1 S; minus strand). Cytogenetic location: 1q32.1.
Variant type: single nucleotide variant.
Coding change: c.1394-4A>G on transcript NM_000069.3 (MANE Select); 4 bases into the intron before coding-DNA position 1394, A replaced by G.
Molecular consequence: intron variant.
Genome position (GRCh38, 1-based): chr1:201,078,108, T>C on the plus strand (A>G on the coding strand, the complement: CACNA1S is on the minus strand). VCF-style: chr1-201078108-T-C. GRCh37 (hg19) VCF-style: chr1-201047236-T-C.
Identifiers: ClinVar variation 2775017 (VCV002775017.6), dbSNP rs1347399792, ClinGen allele CA528536620.
Genomic context (GRCh38, chr1:201,078,108, plus strand): 5'-ACATCTTCATCAGCATCTCAGTGGTGAAGAGGGACAGCAGCACCCGGTTGGCAATGTCTG[T>C]AGGGTTGGTGGCACAGCCCCGGCATCACTCTCCTTCCCTTCTCCTGACTCCCAGCCTTGG-3'

ClinVar aggregate classification (germline): Likely benign. Review status: criteria provided, multiple submitters, no conflicts (2 of 4 stars). 3 submissions from 3 submitters: Likely benign (3). Last evaluated 2025-10-27.

Conditions:
Malignant hyperthermia, susceptibility to, 5 (MHS5). Also called: CACNA1S-Related Malignant Hyperthermia Susceptibility. Identifiers: Orphanet 423, MedGen C1866077, MONDO:0011163, OMIM 601887.
Hypokalemic periodic paralysis, type 1. Also called: HypoPP; Hypokalemic Periodic Paralysis Type 1 (AD). Identifiers: Orphanet 681, MedGen C3714580, MONDO:0042979, OMIM 170400.

Allele frequency attached by ClinVar (database versions not stated): TOPMed below 0.00001; gnomAD exomes 0.00001.
gnomAD v4.1: 16 of 1,611,122 alleles (0.00099%); highest among the groups gnomAD compares: Non-Finnish European, 0.0014%; no homozygotes.

Submissions (3):

Labcorp Genetics (formerly Invitae), Labcorp
Classification: Likely benign for Hypokalemic periodic paralysis, type 1; Malignant hyperthermia, susceptibility to, 5. Last evaluated: 2025-10-27. Review status: criteria provided, single submitter. Criteria: Invitae Variant Classification Sherloc (09022015). Collection method: clinical testing. Allele origin: germline.

All of Us Research Program, National Institutes of Health
Classification: Likely benign for Malignant hyperthermia, susceptibility to, 5. Last evaluated: 2023-06-08. Review status: criteria provided, single submitter. Criteria: ACMG Guidelines, 2015. Collection method: clinical testing. Allele origin: germline. Inheritance: Autosomal dominant inheritance. Observed: 1 variant allele, 1 heterozygote.
Comment: This study involves interpretation of variants in research participants for the purpose of population health screening. Participant phenotype was not available at the time of variant classification. Additional details can be found in publication PMID: 35346344, PMCID: PMC8962531

Color Diagnostics, LLC DBA Color Health
Classification: Likely benign for Malignant hyperthermia, susceptibility to, 5. Last evaluated: 2023-04-04. Review status: criteria provided, single submitter. Criteria: ACMG Guidelines, 2015. Collection method: clinical testing. Allele origin: germline.